The following is an entry in ClinVar:

ClinVar aggregate classification (germline): Conflicting classifications of pathogenicity. Review status: criteria provided, conflicting classifications (1 of 4 stars). 2 submissions from 2 submitters: Uncertain significance (1); Likely benign (1). Last evaluated 2023-06-28.

Conditions:
Emery-Dreifuss muscular dystrophy 5, autosomal dominant (EDMD5). Also called: EMERY-DREIFUSS MUSCULAR DYSTROPHY 5. Identifiers: Orphanet 261, MedGen C2751805, MONDO:0013072, OMIM 612999.

Allele frequency attached by ClinVar (database versions not stated): TOPMed below 0.00001; ExAC 0.00001; gnomAD exomes 0.00001.
gnomAD v4.1: 15 of 1,614,012 alleles (0.00093%); highest among the groups gnomAD compares: Admixed American, 0.0067%; no homozygotes.

Submissions (2):

Labcorp Genetics (formerly Invitae), Labcorp
Classification: Uncertain significance for Emery-Dreifuss muscular dystrophy 5, autosomal dominant. Last evaluated: 2023-06-28. Review status: criteria provided, single submitter. Criteria: Invitae Variant Classification Sherloc (09022015). Collection method: clinical testing. Allele origin: germline.
Comment: In summary, the available evidence is currently insufficient to determine the role of this variant in disease. Therefore, it has been classified as a Variant of Uncertain Significance. Algorithms developed to predict the effect of missense changes on protein structure and function output the following: SIFT: "Not Available"; PolyPhen-2: "Benign"; Align-GVGD: "Not Available". The glutamic acid amino acid residue is found in multiple mammalian species, which suggests that this missense change does not adversely affect protein function. ClinVar contains an entry for this variant (Variation ID: 1045035). This variant has not been reported in the literature in individuals affected with SYNE2-related conditions. This variant is present in population databases (rs772447674, gnomAD 0.009%). This sequence change replaces glycine, which is neutral and non-polar, with glutamic acid, which is acidic and polar, at codon 6542 of the SYNE2 protein (p.Gly6542Glu).

Ambry Genetics
Classification: Likely benign. Last evaluated: 2021-11-15. Review status: criteria provided, single submitter. Criteria: Ambry Variant Classification Scheme 2023. Collection method: clinical testing. Allele origin: germline.

NM_182914.3(SYNE2):c.19625G>A (p.Gly6542Glu)

Gene: SYNE2 (spectrin repeat containing nuclear envelope protein 2; plus strand). Cytogenetic location: 14q23.2.
Variant type: single nucleotide variant.
Coding change: c.19625G>A on transcript NM_182914.3 (MANE Select); coding-DNA position 19625, G replaced by A.
Protein change: p.Gly6542Glu; replaces glycine 6542 with glutamic acid.
Molecular consequence: missense variant.
Genome position (GRCh38, 1-based): chr14:64,218,480, G>A. VCF-style: chr14-64218480-G-A. GRCh37 (hg19) VCF-style: chr14-64685198-G-A.
Other names: c.19556G>A, p.Gly6519Glu (NM_015180.6); c.149G>A, p.Gly50Glu (NM_182910.2); c.527G>A, p.Gly176Glu (NM_182913.4); c.19625G>A (NM_182914.2); short protein forms G176E, G50E, G6519E, G6542E.
Identifiers: ClinVar variation 1045035 (VCV001045035.9), dbSNP rs772447674, ClinGen allele CA7224520.